The following is an entry in ClinVar:

ClinVar aggregate classification (germline): Pathogenic (3 of 4 stars; one submission).

Conditions:
Phenylketonuria (PKU). Also called: OLIGOPHRENIA PHENYLPYRUVICA; Phenylketonuria (PKU); Phenylketonurias; FOLLING DISEASE. Identifiers: Orphanet 716, MedGen C0031485, MONDO:0009861, OMIM 261600. Disease mechanism: loss of function.

Submission:

ClinGen PAH Variant Curation Expert Panel
Classification: Pathogenic for Phenylketonuria. Last evaluated: 2020-08-07. Review status: reviewed by expert panel. Criteria: ClinGen PAH ACMG Specifications v1. Collection method: curation. Allele origin: germline. Inheritance: Autosomal recessive inheritance.
Comment: The c.1271T>A (p.Leu424*) variant in PAH meets criteria to be classified as pathogenic. PAH-specific ACMG/AMP criteria applied: PM2: Absent from population databases (1000 Genomes, ExAC). PVS1: Nonsense mutation, causing early termination of exon 12. NMD is predicted to occur. PP4: Patient has classic PKU (PMID:24350308).PM3_Supporting: Found to co-occur with PAH EX5del4232ins268 in one patient with classic PKU, but no additional studies to demonstrate phase of variants. No other PAH variants identified in patient (PMID:24350308). Not predicted to be responsive to BH4 (PMID:24350308)

Literature cited by the submitters: PubMed 24350308.

NM_000277.3(PAH):c.1271T>A (p.Leu424Ter)

Gene: PAH (phenylalanine hydroxylase; minus strand). Cytogenetic location: 12q23.2.
Variant type: single nucleotide variant.
Coding change: c.1271T>A on transcript NM_000277.3 (MANE Select); coding-DNA position 1271, T replaced by A.
Protein change: p.Leu424Ter; replaces leucine 424 with a stop codon.
Molecular consequence: nonsense.
Genome position (GRCh38, 1-based): chr12:102,840,444, A>T on the plus strand (T>A on the coding strand, the complement: PAH is on the minus strand). VCF-style: chr12-102840444-A-T. GRCh37 (hg19) VCF-style: chr12-103234222-A-T.
Other names: c.1271T>A, p.Leu424Ter (NM_001354304.2); short protein forms L424*.
Identifiers: ClinVar variation 987757 (VCV000987757.1), dbSNP rs199475670, ClinGen allele CA16020988.